The following is an entry in ClinVar:

NM_006118.4(HAX1):c.499C>G (p.His167Asp)

Gene: HAX1 (HCLS1 associated protein X-1; plus strand). Cytogenetic location: 1q21.3.
Variant type: single nucleotide variant.
Coding change: c.499C>G on transcript NM_006118.4 (MANE Select); coding-DNA position 499, C replaced by G.
Protein change: p.His167Asp; replaces histidine 167 with aspartic acid.
Molecular consequence: missense variant.
Genome position (GRCh38, 1-based): chr1:154,273,956, C>G. VCF-style: chr1-154273956-C-G. GRCh37 (hg19) VCF-style: chr1-154246432-C-G.
Other names: c.355C>G, p.His119Asp (NM_001018837.2); short protein forms H119D, H167D.
Identifiers: ClinVar variation 3856875 (VCV003856875.1).

ClinVar aggregate classification (germline): Uncertain significance (1 of 4 stars; one submission).

Conditions:
Inborn genetic diseases. Identifiers: MedGen C0950123, MeSH D030342.

Submission:

Ambry Genetics
Classification: Uncertain significance for Inborn genetic diseases. Last evaluated: 2025-01-15. Review status: criteria provided, single submitter. Criteria: Ambry Variant Classification Scheme 2023. Collection method: clinical testing. Allele origin: germline.
Comment: The p.H167D variant (also known as c.499C>G), located in coding exon 3 of the HAX1 gene, results from a C to G substitution at nucleotide position 499. The histidine at codon 167 is replaced by aspartic acid, an amino acid with similar properties. This amino acid position is conserved. In addition, this alteration is predicted to be tolerated by in silico analysis. Based on the available evidence, the clinical significance of this variant remains unclear.